The following is an entry in ClinVar:

NM_007357.3(COG2):c.1825G>A (p.Asp609Asn)

Gene: COG2 (component of oligomeric golgi complex 2; plus strand). Cytogenetic location: 1q42.2.
Variant type: single nucleotide variant.
Coding change: c.1825G>A on transcript NM_007357.3 (MANE Select); coding-DNA position 1825, G replaced by A.
Protein change: p.Asp609Asn; replaces aspartic acid 609 with asparagine.
Molecular consequence: missense variant.
Genome position (GRCh38, 1-based): chr1:230,690,044, G>A. VCF-style: chr1-230690044-G-A. GRCh37 (hg19) VCF-style: chr1-230825790-G-A.
Other names: c.1822G>A, p.Asp608Asn (NM_001145036.2); short protein forms D609N, D608N.
Identifiers: ClinVar variation 806380 (VCV000806380.45), dbSNP rs542540708, ClinGen allele CA1447884.
Genomic context (GRCh38, chr1:230,690,044, plus strand): 5'-CATCTTTATCTCCTACCATCATCATTCCAGGAGGTCCCAACCACAGCTTCCTCCTATGTG[G>A]ACAGTGCTCTGAAGCCCTTATTCCAGCTTCAGAGCGGACACAAGGATAAGCTCAAACAAG-3'
Protein context (NP_031383.1, residues 599-619): EVPTTASSYV[Asp609Asn]SALKPLFQLQ

ClinVar aggregate classification (germline): Uncertain significance. Review status: criteria provided, multiple submitters, no conflicts (2 of 4 stars). 2 submissions from 2 submitters: Uncertain significance (2). Last evaluated 2021-08-27.

Conditions:
Congenital disorder of glycosylation, type IIq. Also called: CDG IIq. Identifiers: Orphanet 435934, MedGen C4479353, MONDO:0054559, OMIM 617395.

Allele frequency attached by ClinVar (database versions not stated): gnomAD 0.00002 and 0.00003; gnomAD exomes 0.00014; TOPMed 0.00017; 1000 Genomes Project 0.00020; ExAC 0.00020; 1000 Genomes Project 30x 0.00031.
gnomAD v4.1: 60 of 1,610,958 alleles (0.0037%); highest among the groups gnomAD compares: Admixed American, 0.072%; no homozygotes.

Submissions (2):

Labcorp Genetics (formerly Invitae), Labcorp
Classification: Uncertain significance for Congenital disorder of glycosylation, type IIq. Last evaluated: 2021-08-27. Review status: criteria provided, single submitter. Criteria: Invitae Variant Classification Sherloc (09022015). Collection method: clinical testing. Allele origin: germline.
Comment: This sequence change replaces aspartic acid with asparagine at codon 609 of the COG2 protein (p.Asp609Asn). The aspartic acid residue is highly conserved and there is a small physicochemical difference between aspartic acid and asparagine. This variant is present in population databases (rs542540708, ExAC 0.2%). This variant has not been reported in the literature in individuals affected with COG2-related conditions. Algorithms developed to predict the effect of missense changes on protein structure and function (SIFT, PolyPhen-2, Align-GVGD) all suggest that this variant is likely to be tolerated. In summary, the available evidence is currently insufficient to determine the role of this variant in disease. Therefore, it has been classified as a Variant of Uncertain Significance.

CeGaT Center for Human Genetics Tuebingen
Classification: Uncertain significance. Last evaluated: 2019-04-01. Review status: criteria provided, single submitter. Criteria: CeGaT Center For Human Genetics Tuebingen Variant Classification Criteria Version 2. Collection method: clinical testing. Allele origin: germline. Affected: yes. Observed: 1 variant allele.